The following is an entry in ClinVar:

ClinVar aggregate classification (germline): Benign. Review status: criteria provided, multiple submitters, no conflicts (2 of 4 stars). 4 submissions from 4 submitters: Benign (4). Last evaluated 2026-02-03.

Conditions:
Hereditary spastic paraplegia 30. Identifiers: Orphanet 101010, MedGen C5235139, MONDO:0012476.
Neuropathy, hereditary sensory, type 2C. Also called: KIF1A-Related HSAN2 (HSAN2C); Hereditary sensory and autonomic neuropathy type IIC. Identifiers: Orphanet 970, MedGen C3280168, MONDO:0013634, OMIM 614213.
Intellectual disability, autosomal dominant 9 (NESCAVS). Also called: KIF1A-Related Neurodevelopmental Disorder; NESCAV SYNDROME. Identifiers: Orphanet 662367, MedGen C5393830, MONDO:0013656, OMIM 614255.

Allele frequency attached by ClinVar (database versions not stated): ExAC 0.00479; 1000 Genomes Project 0.01318; gnomAD 0.01412; ESP Exome Variant Server 0.01472; 1000 Genomes Project 30x 0.01499; TOPMed 0.01519.
gnomAD v4.1: 4,858 of 1,610,608 alleles (0.3%); highest among the groups gnomAD compares: African/African-American, 5%; 83 homozygotes.

Submissions (4):

Labcorp Genetics (formerly Invitae), Labcorp
Classification: Benign for Hereditary spastic paraplegia 30; Neuropathy, hereditary sensory, type 2C; Intellectual disability, autosomal dominant 9. Last evaluated: 2026-02-03. Review status: criteria provided, single submitter. Criteria: Invitae Variant Classification Sherloc (09022015). Collection method: clinical testing. Allele origin: germline.

ARUP Laboratories, Molecular Genetics and Genomics, ARUP Laboratories
Classification: Benign. Last evaluated: 2025-07-17. Review status: criteria provided, single submitter. Criteria: ARUP Molecular Germline Variant Investigation Process 2024. Collection method: clinical testing. Allele origin: germline.

Illumina Laboratory Services, Illumina
Classification: Benign for Spastic paraplegia 30A, autosomal dominant. Last evaluated: 2018-01-12. Review status: criteria provided, single submitter. Criteria: ICSL Variant Classification Criteria 13 December 2019. Collection method: clinical testing. Allele origin: germline.
Comment: This variant was observed in the ICSL laboratory as part of a predisposition screen in an ostensibly healthy population. It had not been previously curated by ICSL or reported in the Human Gene Mutation Database (HGMD: prior to June 1st, 2018), and was therefore a candidate for classification through an automated scoring system. Utilizing variant allele frequency, disease prevalence and penetrance estimates, and inheritance mode, an automated score was calculated to assess if this variant is too frequent to cause the disease. Based on the score and internal cut-off values, a variant classified as benign is not then subjected to further curation. The score for this variant resulted in a classification of benign for this disease.

GeneDx
Classification: Benign. Last evaluated: 2015-09-10. Review status: criteria provided, single submitter. Criteria: GeneDx Variant Classification (06012015). Collection method: clinical testing. Allele origin: germline. Affected: yes.
Comment: This variant is considered likely benign or benign based on one or more of the following criteria: it is a conservative change, it occurs at a poorly conserved position in the protein, it is predicted to be benign by multiple in silico algorithms, and/or has population frequency not consistent with disease.

NM_001244008.2(KIF1A):c.183+15C>T

Gene: KIF1A (kinesin family member 1A; minus strand). Cytogenetic location: 2q37.3.
Variant type: single nucleotide variant.
Coding change: c.183+15C>T on transcript NM_001244008.2 (MANE Select); 15 bases into the intron after coding-DNA position 183, C replaced by T.
Molecular consequence: intron variant.
Genome position (GRCh38, 1-based): chr2:240,789,221, G>A on the plus strand (C>T on the coding strand, the complement: KIF1A is on the minus strand). VCF-style: chr2-240789221-G-A. GRCh37 (hg19) VCF-style: chr2-241728638-G-A.
Other names: c.183+15C>T (NM_001379653.1, NM_001379650.1, NM_001379645.1 and 20 more transcripts).
Identifiers: ClinVar variation 335284 (VCV000335284.59), dbSNP rs73102676, ClinGen allele CA2208885.
Genomic context (GRCh38, chr2:240,789,221, plus strand): 5'-AGTTGAGGGACCCCGAGGGCCACATGGCCTATGCACTGCTGCCCCCGCCTCCCCCGACCC[G>A]GGGTCCCGGCTTACTGAGGTGTGCGACCAGTAGGAGTAGTCAAAGCTGAAGCTTTTGGGC-3'